The following is an entry in ClinVar:

NM_002691.4(POLD1):c.1143G>C (p.Trp381Cys)

Gene: POLD1 (DNA polymerase delta 1, catalytic subunit; plus strand). Cytogenetic location: 19q13.33.
Variant type: single nucleotide variant.
Coding change: c.1143G>C on transcript NM_002691.4 (MANE Select); coding-DNA position 1143, G replaced by C.
Protein change: p.Trp381Cys; replaces tryptophan 381 with cysteine.
Molecular consequence: missense variant. On other transcripts: non-coding transcript variant (1).
Genome position (GRCh38, 1-based): chr19:50,403,498, G>C. VCF-style: chr19-50403498-G-C. GRCh37 (hg19) VCF-style: chr19-50906755-G-C.
Other names: c.1143G>C, p.Trp381Cys (NM_001256849.1, NM_001308632.1); short protein forms W381C.
Identifiers: ClinVar variation 2756024 (VCV002756024.3), dbSNP rs2122277266, ClinGen allele CA406978433.

ClinVar aggregate classification (germline): Uncertain significance (1 of 4 stars; one submission).

Conditions:
POLD1-related polyposis and colorectal cancer syndrome (CRCS10). Also called: Colorectal cancer 10; Colorectal cancer, susceptibility to, 10; COLORECTAL CANCER, SUSCEPTIBILITY TO, ON CHROMOSOME 19q. Identifiers: Orphanet 220460, MedGen C2675481, MONDO:0012953, OMIM 612591.

Submission:

Labcorp Genetics (formerly Invitae), Labcorp
Classification: Uncertain significance for POLD1-related polyposis and colorectal cancer syndrome. Last evaluated: 2023-06-02. Review status: criteria provided, single submitter. Criteria: Invitae Variant Classification Sherloc (09022015). Collection method: clinical testing. Allele origin: germline.
Comment: Advanced modeling of protein sequence and biophysical properties (such as structural, functional, and spatial information, amino acid conservation, physicochemical variation, residue mobility, and thermodynamic stability) performed at Invitae indicates that this missense variant is expected to disrupt POLD1 protein function. In summary, the available evidence is currently insufficient to determine the role of this variant in disease. Therefore, it has been classified as a Variant of Uncertain Significance. This variant has not been reported in the literature in individuals affected with POLD1-related conditions. This variant is not present in population databases (gnomAD no frequency). This sequence change replaces tryptophan, which is neutral and slightly polar, with cysteine, which is neutral and slightly polar, at codon 381 of the POLD1 protein (p.Trp381Cys).